The following is an entry in ClinVar:

NM_199420.4(POLQ):c.52G>C (p.Asp18His)

Genes: POLQ (DNA polymerase theta; minus strand), LOC112872292 (Sharpr-MPRA regulatory region 30; plus strand). Cytogenetic location: 3q13.33.
Variant type: single nucleotide variant.
Coding change: c.52G>C on transcript NM_199420.4 (MANE Select); coding-DNA position 52, G replaced by C.
Protein change: p.Asp18His; replaces aspartic acid 18 with histidine.
Molecular consequence: missense variant.
Genome position (GRCh38, 1-based): chr3:121,545,826, C>G on the plus strand (G>C on the coding strand, the complement: POLQ is on the minus strand). VCF-style: chr3-121545826-C-G. GRCh37 (hg19) VCF-style: chr3-121264673-C-G.
Other names: short protein forms D18H.
Identifiers: ClinVar variation 3308513 (VCV003308513.1).

ClinVar aggregate classification (germline): Uncertain significance (1 of 4 stars; one submission).

gnomAD v4.1: 3 of 1,613,978 alleles (0.00019%); highest among the groups gnomAD compares: Non-Finnish European, 0.00025%; no homozygotes.

Submission:

Ambry Genetics
Classification: Uncertain significance. Last evaluated: 2024-06-12. Review status: criteria provided, single submitter. Criteria: Ambry Variant Classification Scheme 2023. Collection method: clinical testing. Allele origin: germline.
Comment: The p.D18H variant (also known as c.52G>C), located in coding exon 1 of the POLQ gene, results from a G to C substitution at nucleotide position 52. The aspartic acid at codon 18 is replaced by histidine, an amino acid with similar properties. This amino acid position is conserved. In addition, this alteration is predicted to be tolerated by in silico analysis. Based on the available evidence, the clinical significance of this variant remains unclear.